The following is an entry in ClinVar:

ClinVar aggregate classification (germline): Uncertain significance (1 of 4 stars; one submission).

Submission:

GeneDx
Classification: Uncertain significance. Last evaluated: 2025-03-24. Review status: criteria provided, single submitter. Criteria: GeneDx Variant Classification Process June 2021. Collection method: clinical testing. Allele origin: germline. Affected: yes.
Comment: Not observed at significant frequency in large population cohorts (gnomAD); In silico analysis supports that this missense variant has a deleterious effect on protein structure/function; Has not been previously published as pathogenic or benign to our knowledge

NM_000097.7(CPOX):c.1004G>A (p.Gly335Asp)

Gene: CPOX (coproporphyrinogen oxidase; minus strand). Cytogenetic location: 3q11.2.
Variant type: single nucleotide variant.
Coding change: c.1004G>A on transcript NM_000097.7 (MANE Select); coding-DNA position 1004, G replaced by A.
Protein change: p.Gly335Asp; replaces glycine 335 with aspartic acid.
Molecular consequence: missense variant.
Genome position (GRCh38, 1-based): chr3:98,585,609, C>T on the plus strand (G>A on the coding strand, the complement: CPOX is on the minus strand). VCF-style: chr3-98585609-C-T. GRCh37 (hg19) VCF-style: chr3-98304453-C-T.
Other names: short protein forms G335D.
Identifiers: ClinVar variation 4087871 (VCV004087871.1).